The following is an entry in ClinVar:

NM_000228.3(LAMB3):c.823-2A>T

Gene: LAMB3 (laminin subunit beta 3; minus strand). Cytogenetic location: 1q32.2.
Variant type: single nucleotide variant.
Coding change: c.823-2A>T on transcript NM_000228.3 (MANE Select); the canonical splice acceptor site of the intron before coding-DNA position 823, A replaced by T.
Molecular consequence: splice acceptor variant.
Genome position (GRCh38, 1-based): chr1:209,630,737, T>A on the plus strand (A>T on the coding strand, the complement: LAMB3 is on the minus strand). VCF-style: chr1-209630737-T-A. GRCh37 (hg19) VCF-style: chr1-209804082-T-A.
Other names: c.823-2A>T (NM_001127641.1, NM_001017402.2).
Identifiers: ClinVar variation 1455025 (VCV001455025.6), dbSNP rs2102430895, ClinGen allele CA344593916.
Genomic context (GRCh38, chr1:209,630,737, plus strand): 5'-GCACAGCGCTCACAATTTGGGCCGGCAGTGTTGTGCTGGCAGACACAGACATCGTGGACC[T>A]GGGAGGGGGACCGTCAGCCATCAGGAGTAATCAACAAAGAAGGGCACCAGGGATGGACCT-3'

ClinVar aggregate classification (germline): Pathogenic (1 of 4 stars; one submission).

Submission:

Labcorp Genetics (formerly Invitae), Labcorp
Classification: Pathogenic. Last evaluated: 2021-06-04. Review status: criteria provided, single submitter. Criteria: Invitae Variant Classification Sherloc (09022015). Collection method: clinical testing. Allele origin: germline.
Comment: This sequence change affects an acceptor splice site in intron 8 of the LAMB3 gene. It is expected to disrupt RNA splicing. Variants that disrupt the donor or acceptor splice site typically lead to a loss of protein function (PMID: 16199547), and loss-of-function variants in LAMB3 are known to be pathogenic (PMID: 11023379, 16473856). This variant is not present in population databases (ExAC no frequency). Variants that disrupt this splice site have been observed in individual(s) with autosomal recessive junctional epidermolysis bullosa (PMID: 27480391). Algorithms developed to predict the effect of sequence changes on RNA splicing suggest that this variant may disrupt the consensus splice site, but this prediction has not been confirmed by published transcriptional studies. For these reasons, this variant has been classified as Pathogenic.

Literature cited by the submitters: PubMed 16199547; PubMed 11023379; PubMed 16473856; PubMed 27480391.